The following is an entry in ClinVar:

NM_001684.5(ATP2B4):c.2116A>G (p.Ile706Val)

Gene: ATP2B4 (ATPase plasma membrane Ca2+ transporting 4; plus strand). Cytogenetic location: 1q32.1.
Variant type: single nucleotide variant.
Coding change: c.2116A>G on transcript NM_001684.5 (MANE Select); coding-DNA position 2116, A replaced by G.
Protein change: p.Ile706Val; replaces isoleucine 706 with valine.
Molecular consequence: missense variant.
Genome position (GRCh38, 1-based): chr1:203,712,044, A>G. VCF-style: chr1-203712044-A-G. GRCh37 (hg19) VCF-style: chr1-203681172-A-G.
Other names: c.2116A>G, p.Ile706Val (NM_001001396.3, NM_001365783.2, NM_001365784.2); short protein forms I706V.
Identifiers: ClinVar variation 3020971 (VCV003020971.3), dbSNP rs148318069, ClinGen allele CA1341785.
Genomic context (GRCh38, chr1:203,712,044, plus strand): 5'-AAACAAGCTGGCATTACTGTCAGAATGGTGACAGGTGACAACATCAACACAGCCCGGGCC[A>G]TTGCCACCAAATGTGGCATTCTGACACCTGGGGATGACTTCCTGTGCTTAGAAGGCAAAG-3'
Protein context (NP_001675.3, residues 696-716): TGDNINTARA[Ile706Val]ATKCGILTPG

ClinVar aggregate classification (germline): Uncertain significance (1 of 4 stars; one submission).

Allele frequency attached by ClinVar (database versions not stated): 1000 Genomes Project 0.00020; gnomAD exomes 0.00043; TOPMed 0.00022; ExAC 0.00026; ESP Exome Variant Server 0.00038; 1000 Genomes Project 30x 0.00016; gnomAD 0.00025.
gnomAD v4.1: 677 of 1,614,158 alleles (0.042%); highest among the groups gnomAD compares: Non-Finnish European, 0.053%; no homozygotes.

Submission:

Labcorp Genetics (formerly Invitae), Labcorp
Classification: Uncertain significance. Last evaluated: 2025-04-06. Review status: criteria provided, single submitter. Criteria: Invitae Variant Classification Sherloc (09022015). Collection method: clinical testing. Allele origin: germline.
Comment: This sequence change replaces isoleucine, which is neutral and non-polar, with valine, which is neutral and non-polar, at codon 706 of the ATP2B4 protein (p.Ile706Val). This variant is present in population databases (rs148318069, gnomAD 0.04%). This variant has not been reported in the literature in individuals affected with ATP2B4-related conditions. ClinVar contains an entry for this variant (Variation ID: 3020971). Invitae Evidence Modeling of protein sequence and biophysical properties (such as structural, functional, and spatial information, amino acid conservation, physicochemical variation, residue mobility, and thermodynamic stability) indicates that this missense variant is not expected to disrupt ATP2B4 protein function with a negative predictive value of 80%. In summary, the available evidence is currently insufficient to determine the role of this variant in disease. Therefore, it has been classified as a Variant of Uncertain Significance.